The following is an entry in ClinVar:

NC_000015.9:g.(?_28090085)_(28096641_?)del

Gene: OCA2 (OCA2 melanosomal transmembrane protein; minus strand). Cytogenetic location: 15q12.
Variant type: Deletion.
Identifiers: ClinVar variation 2422773 (VCV002422773.3).

ClinVar aggregate classification (germline): Pathogenic (1 of 4 stars; one submission).

Submission:

Labcorp Genetics (formerly Invitae), Labcorp
Classification: Pathogenic. Last evaluated: 2022-10-17. Review status: criteria provided, single submitter. Criteria: Invitae Variant Classification Sherloc (09022015). Collection method: clinical testing. Allele origin: germline.
Comment: This variant is a gross deletion of the genomic region encompassing exon(s) 22-23 of the OCA2 gene. While this deletion is not anticipated to lead to nonsense mediated decay, it is expected to disrupt the C-terminus of the protein. This variant has not been reported in the literature in individuals affected with OCA2-related conditions. This variant disrupts a region of the OCA2 protein in which other variant(s) (p.Phe809Ile) have been determined to be pathogenic (PMID: 29345414; Invitae). This suggests that this is a clinically significant region of the protein, and that variants that disrupt it are likely to be disease-causing. For these reasons, this variant has been classified as Pathogenic.

Literature cited by the submitters: PubMed 29345414.